The following is an entry in ClinVar:

ClinVar aggregate classification (germline): Pathogenic (1 of 4 stars; one submission).

Submission:

Labcorp Genetics (formerly Invitae), Labcorp
Classification: Pathogenic. Last evaluated: 2022-07-05. Review status: criteria provided, single submitter. Criteria: Invitae Variant Classification Sherloc (09022015). Collection method: clinical testing. Allele origin: germline.
Comment: This sequence change creates a premature translational stop signal (p.Asn279Thrfs*15) in the TRAIP gene. It is expected to result in an absent or disrupted protein product. Loss-of-function variants in TRAIP are known to be pathogenic (PMID: 26595769, 31974414). This variant is not present in population databases (gnomAD no frequency). This variant has not been reported in the literature in individuals affected with TRAIP-related conditions. For these reasons, this variant has been classified as Pathogenic.

Literature cited by the submitters: PubMed 26595769; PubMed 31974414.

NM_005879.3(TRAIP):c.836del (p.Asn279fs)

Gene: TRAIP (TRAF interacting protein; minus strand). Cytogenetic location: 3p21.31.
Variant type: Deletion.
Coding change: c.836del on transcript NM_005879.3 (MANE Select); coding-DNA position 836, one base deleted (A; older notation c.836delA).
Protein change: p.Asn279fs; shifts the reading frame from asparagine 279.
Molecular consequence: frameshift variant.
Genome position (GRCh38, 1-based): chr3:49,839,820, T deleted on the plus strand (A on the coding strand, the reverse complement: TRAIP is on the minus strand); the first of 2 consecutive T bases (chr3:49,839,820-49,839,821); deleting either gives the same sequence. VCF-style (leftmost placement, unchanged base first): chr3-49839819-GT-G. GRCh37 (hg19) VCF-style: chr3-49877252-GT-G.
Other names: short protein forms N279fs.
Identifiers: ClinVar variation 2168671 (VCV002168671.1), dbSNP rs2544964696, ClinGen allele CA2580070100.
Genomic context (GRCh38, chr3:49,839,819, plus strand): 5'-AGGCTCAACAAACCTCTCTAAAACCAGGCGGTCGACAGTCTCACTGGCCACTGGTGGCAG[GT>G]TCAAGGTTTCCTGCAGCATCGTTAGCTTCTTTTTCAGGCTCTTGGGGAGGGAAAGAAAAG-3'